The following is an entry in ClinVar:

NM_006885.4(ZFHX3):c.10542CGG[6] (p.Gly3527_Ser3528insGly)

Genes: ZFHX3 (zinc finger homeobox 3; minus strand), ZFHX3-AS1 (ZFHX3 antisense RNA 1; plus strand). Cytogenetic location: 16q22.2.
Variant type: Microsatellite.
Coding change: c.10542CGG[6] on transcript NM_006885.4 (MANE Select); six copies in a row of the 3-base unit CGG starting at c.10542; the reference has five copies in a row; one copy, 3 bases duplicated.
Protein change: p.Gly3527_Ser3528insGly.
Genome position (GRCh38, 1-based): chr16:72,787,720-72,787,722, CCG duplicated on the plus strand (CGG on the coding strand, the reverse complement: ZFHX3 is on the minus strand); duplicating any 3 consecutive bases within chr16:72,787,720-72,787,736 gives the same sequence; the position shown is the placement nearest the transcript's 3' end. VCF-style (leftmost placement, unchanged base first): chr16-72787719-A-ACCG. GRCh37 (hg19) VCF-style: chr16-72821618-A-ACCG.
Other names: c.7800CGG[6], p.Gly2613_Ser2614insGly (NM_001164766.2); c.10542CGG[6], p.Gly3527_Ser3528insGly (NM_001386735.1).
Identifiers: ClinVar variation 3051169 (VCV003051169.12), dbSNP rs751575363, ClinGen allele CA8162414.

ClinVar aggregate classification (germline): Benign. Review status: criteria provided, single submitter (1 of 4 stars). 2 submissions from 2 submitters: Benign (1). 1 of the submissions does not count toward it. Last evaluated 2025-06-01.

Conditions:
ZFHX3-related disorder. Also called: ZFHX3-related condition.

Submissions (2):

CeGaT Center for Human Genetics Tuebingen
Classification: Benign. Last evaluated: 2025-06-01. Review status: criteria provided, single submitter. Criteria: CeGaT Center For Human Genetics Tuebingen Variant Classification Criteria Version 2. Collection method: clinical testing. Allele origin: germline. Affected: yes. Observed: 1 variant allele.
Comment: ZFHX3: BS1, BS2

PreventionGenetics, part of Exact Sciences
Classification: Likely benign for ZFHX3-related condition. Last evaluated: 2022-02-25. Review status: no assertion criteria provided. Collection method: clinical testing. Allele origin: germline. Not counted in ClinVar's aggregate classification.
Comment: This variant is classified as likely benign based on ACMG/AMP sequence variant interpretation guidelines (Richards et al. 2015 PMID: 25741868, with internal and published modifications).